The following is an entry in ClinVar:

ClinVar aggregate classification (germline): Pathogenic (1 of 4 stars; one submission).
ClinVar aggregate classification (somatic clinical impact): Tier I - Strong (1 of 4 stars; one submission).

Conditions:
Gastrointestinal stromal tumor. Also called: Gastrointestinal stromal tumor, somatic; Gastrointestinal stroma tumor. Identifiers: Orphanet 44890, MedGen C0238198, MeSH D046152, MONDO:0011719, OMIM 606764, HP:0100723.
Germinomatous germ cell tumor. Identifiers: MedGen C4054897, MONDO:0020580.

Submissions (2):

Labcorp Genetics (formerly Invitae), Labcorp
Classification: Pathogenic for Gastrointestinal stromal tumor. Last evaluated: 2025-07-31. Review status: criteria provided, single submitter. Criteria: Invitae Variant Classification Sherloc (09022015). Collection method: clinical testing. Allele origin: germline.
Comment: This sequence change replaces asparagine, which is neutral and polar, with lysine, which is basic and polar, at codon 655 of the KIT protein (p.Asn655Lys). This variant is not present in population databases (gnomAD no frequency). This missense change has been observed in individuals with clinical features of KIT-related conditions (PMID: 17489795, 23106360, 33212994; internal data). It has also been observed to segregate with disease in related individuals. ClinVar contains an entry for this variant (Variation ID: 375923). An algorithm developed to predict the effect of missense changes on protein structure and function (PolyPhen-2) suggests that this variant is likely to be disruptive. Experimental studies have shown that this missense change affects KIT function (PMID: 17489795). For these reasons, this variant has been classified as Pathogenic.

Institute for Genomic Medicine (IGM) Clinical Laboratory, Nationwide Children's Hospital
Classification: Tier I - Strong for Germinomatous germ cell tumor. Assertion type: diagnostic. Clinical significance: supports diagnosis. Last evaluated: 2023-04-06. Review status: criteria provided, single submitter. Criteria: AMP/ASCO/CAP Guidelines, 2017. Collection method: clinical testing. Allele origin: somatic. Affected: yes.
Comment: Variant has Tier I (strong) clinical significance as a diagnostic inclusion criterion in germinomatous germ cell tumor, based on the following evidence: 1) Documented in one or more cancer databases (e.g., St. Jude Pecan, COSMIC, CIViC, OncoKB). 2) Appears in one or more well-established professional guidelines (e.g., World Health Organization [WHO]; National Comprehensive Cancer Network [NCCN]) as providing diagnostic, prognostic, or therapeutic information. 3) Information in the literature supports potential biologic effect of variant (PMID: 17489795). 4) Diagnostic for a specific tumor type/classification based on well-powered studies with expert-level consensus (Evidence Level B; PMIDs: 24452629, 24896186, 27391150).

Literature cited by the submitters: PubMed 17489795 (cited by Labcorp Genetics (formerly Invitae), Labcorp and Institute for Genomic Medicine (IGM) Clinical Laboratory, Nationwide Children's Hospital); PubMed 23106360 (cited by Labcorp Genetics (formerly Invitae), Labcorp); PubMed 33212994 (cited by Labcorp Genetics (formerly Invitae), Labcorp); PubMed 24452629 (cited by Institute for Genomic Medicine (IGM) Clinical Laboratory, Nationwide Children's Hospital); PubMed 24896186 (cited by Institute for Genomic Medicine (IGM) Clinical Laboratory, Nationwide Children's Hospital); PubMed 27391150 (cited by Institute for Genomic Medicine (IGM) Clinical Laboratory, Nationwide Children's Hospital).

NM_000222.3(KIT):c.1965T>A (p.Asn655Lys)

Gene: KIT (KIT proto-oncogene, receptor tyrosine kinase; plus strand). Cytogenetic location: 4q12.
Variant type: single nucleotide variant.
Coding change: c.1965T>A on transcript NM_000222.3 (MANE Select); coding-DNA position 1965, T replaced by A.
Protein change: p.Asn655Lys; replaces asparagine 655 with lysine.
Molecular consequence: missense variant.
Genome position (GRCh38, 1-based): chr4:54,728,096, T>A. VCF-style: chr4-54728096-T-A. GRCh37 (hg19) VCF-style: chr4-55594262-T-A.
Other names: c.1953T>A, p.Asn651Lys (NM_001093772.2, NM_001385286.1); c.1968T>A, p.Asn656Lys (NM_001385284.1, NM_001385290.1); c.1965T>A, p.Asn655Lys (NM_001385285.1); c.1956T>A, p.Asn652Lys (NM_001385288.1, NM_001385292.1); short protein forms N655K, N651K, N652K, N656K.
Identifiers: ClinVar variation 375923 (VCV000375923.11), dbSNP rs1057519708, ClinGen allele CA16602404.